The following is an entry in ClinVar:

NM_017934.7(PHIP):c.2847C>T (p.Thr949=)

Genes: IRAK1BP1 (interleukin 1 receptor associated kinase 1 binding protein 1; plus strand), PHIP (PHIP subunit of CUL4-Ring ligase complex; minus strand). Cytogenetic location: 6q14.1.
Variant type: single nucleotide variant.
Coding change: c.2847C>T on transcript NM_017934.7 (MANE Select); coding-DNA position 2847, C replaced by T.
Protein change: p.Thr949=; no amino-acid change (threonine 949 retained).
Molecular consequence: synonymous variant.
Genome position (GRCh38, 1-based): chr6:78,978,634, G>A on the plus strand (C>T on the coding strand, the complement: PHIP is on the minus strand). VCF-style: chr6-78978634-G-A. GRCh37 (hg19) VCF-style: chr6-79688351-G-A.
Identifiers: ClinVar variation 3353739 (VCV003353739.3).
Genomic context (GRCh38, chr6:78,978,634, plus strand): 5'-TTAAAACTTTTAAAGTACCTCATCACCCATCTGTGGCACAAATGGACATCTTCGGGGAAT[G>A]GTATCTGTAATCCATGTTGATGGCAACCATTCTTCTAATGTCAAACCATTTTCAGTTAGT-3'
Protein context (NP_060404.4, residues 939-959): EWLPSTWITD[Thr949=]IPRRCPFVPQ

ClinVar aggregate classification (germline): Likely benign. Review status: criteria provided, single submitter (1 of 4 stars). 2 submissions from 2 submitters: Likely benign (1). 1 of the submissions does not count toward it. Last evaluated 2024-07-01.

Conditions:
PHIP-related disorder. Also called: PHIP-related condition; PHIP-related disorders.

gnomAD v4.1: 39 of 1,593,390 alleles (0.0024%); highest among the groups gnomAD compares: Non-Finnish European, 0.0031%; no homozygotes.

Submissions (2):

Labcorp Genetics (formerly Invitae), Labcorp
Classification: Likely benign. Last evaluated: 2024-07-01. Review status: criteria provided, single submitter. Criteria: Invitae Variant Classification Sherloc (09022015). Collection method: clinical testing. Allele origin: germline.

PreventionGenetics, part of Exact Sciences
Classification: Likely benign for PHIP-related condition. Last evaluated: 2022-06-21. Review status: no assertion criteria provided. Collection method: clinical testing. Allele origin: germline. Not counted in ClinVar's aggregate classification.
Comment: This variant is classified as likely benign based on ACMG/AMP sequence variant interpretation guidelines (Richards et al. 2015 PMID: 25741868, with internal and published modifications).